The following is an entry in ClinVar:

NM_000093.5(COL5A1):c.3258+258T>C

Gene: COL5A1 (collagen type V alpha 1 chain; plus strand). Cytogenetic location: 9q34.3.
Variant type: single nucleotide variant.
Coding change: c.3258+258T>C on transcript NM_000093.5 (MANE Select); 258 bases into the intron after coding-DNA position 3258, T replaced by C.
Molecular consequence: intron variant.
Genome position (GRCh38, 1-based): chr9:134,805,472, T>C. VCF-style: chr9-134805472-T-C. GRCh37 (hg19) VCF-style: chr9-137697318-T-C.
Other names: c.3258+258T>C (NM_001278074.1).
Identifiers: ClinVar variation 669677 (VCV000669677.1), dbSNP rs72774468, ClinGen allele CA201081003.

ClinVar aggregate classification (germline): Likely benign (1 of 4 stars; one submission).

Allele frequency attached by ClinVar (database versions not stated): gnomAD 0.04204 and 0.04438; TOPMed 0.04375; 1000 Genomes Project 30x 0.06230; 1000 Genomes Project 0.06290.
gnomAD v4.1: 6,815 of 152,188 alleles (4.5%); highest among the groups gnomAD compares: South Asian, 9.4%; 177 homozygotes.

Submission:

GeneDx
Classification: Likely benign. Last evaluated: 2018-06-14. Review status: criteria provided, single submitter. Criteria: GeneDx Variant Classification (06012015). Collection method: clinical testing. Allele origin: germline. Affected: yes.
Comment: This variant is considered likely benign or benign based on one or more of the following criteria: it is a conservative change, it occurs at a poorly conserved position in the protein, it is predicted to be benign by multiple in silico algorithms, and/or has population frequency not consistent with disease.